The following is an entry in ClinVar:

NM_000038.6(APC):c.3920T>G (p.Ile1307Arg)

Gene: APC (APC regulator of Wnt signaling pathway; plus strand). Cytogenetic location: 5q22.2.
Variant type: single nucleotide variant.
Coding change: c.3920T>G on transcript NM_000038.6 (MANE Select); coding-DNA position 3920, T replaced by G.
Protein change: p.Ile1307Arg; replaces isoleucine 1307 with arginine.
Molecular consequence: missense variant.
Genome position (GRCh38, 1-based): chr5:112,839,514, T>G. VCF-style: chr5-112839514-T-G. GRCh37 (hg19) VCF-style: chr5-112175211-T-G.
Other names: c.3617T>G, p.Ile1206Arg (NM_001407459.1, NM_001407458.1, NM_001407460.1 and 1 more transcripts); c.3974T>G, p.Ile1325Arg (NM_001407447.1, NM_001407448.1, NM_001407449.1 and 1 more transcripts); c.3899T>G, p.Ile1300Arg (NM_001407451.1); c.3890T>G, p.Ile1297Arg (NM_001407452.1); c.3920T>G, p.Ile1307Arg (NM_001407450.1, NM_001127510.3, NM_001354895.2); c.3743T>G, p.Ile1248Arg (NM_001407453.1, NM_001354901.2); c.3671T>G, p.Ile1224Arg (NM_001407454.1, NM_001407455.1, NM_001407456.1 and 1 more transcripts); c.3866T>G, p.Ile1289Arg (NM_001127511.3); and 11 more; short protein forms I1024R, I1147R, I1178R, I1181R, I1206R, I1216R, I1224R, I1248R.
Identifiers: ClinVar variation 1721082 (VCV001721082.6), dbSNP rs1801155, ClinGen allele CA16029935.
Genomic context (GRCh38, chr5:112,839,514, plus strand): 5'-TAGGATGTAATCAGACGACACAGGAAGCAGATTCTGCTAATACCCTGCAAATAGCAGAAA[T>G]AAAAGAAAAGATTGGAACTAGGTCAGCTGAAGATCCTGTGAGCGAAGTTCCAGCAGTGTC-3'
Protein context (NP_000029.2, residues 1297-1317): DSANTLQIAE[Ile1307Arg]KEKIGTRSAE

ClinVar aggregate classification (germline): Uncertain significance (1 of 4 stars; one submission).

Conditions:
Familial adenomatous polyposis 1 (FAP1). Also called: FAMILIAL ADENOMATOUS POLYPOSIS 1, ATTENUATED; POLYPOSIS, ADENOMATOUS INTESTINAL. Identifiers: MedGen C2713442, MONDO:0021056, OMIM 175100. Disease mechanism: loss of function.

Submission:

Labcorp Genetics (formerly Invitae), Labcorp
Classification: Uncertain significance for Familial adenomatous polyposis 1. Last evaluated: 2022-10-06. Review status: criteria provided, single submitter. Criteria: Invitae Variant Classification Sherloc (09022015). Collection method: clinical testing. Allele origin: germline.
Comment: This variant has not been reported in the literature in individuals affected with APC-related conditions. This variant is not present in population databases (gnomAD no frequency). This sequence change replaces isoleucine, which is neutral and non-polar, with arginine, which is basic and polar, at codon 1307 of the APC protein (p.Ile1307Arg). Advanced modeling of protein sequence and biophysical properties (such as structural, functional, and spatial information, amino acid conservation, physicochemical variation, residue mobility, and thermodynamic stability) performed at Invitae indicates that this missense variant is not expected to disrupt APC protein function. In summary, the available evidence is currently insufficient to determine the role of this variant in disease. Therefore, it has been classified as a Variant of Uncertain Significance.